The following is an entry in ClinVar:

ClinVar aggregate classification (germline): Pathogenic (1 of 4 stars; one submission).

Conditions:
Severe myoclonic epilepsy in infancy (DRVT). Also called: Epileptic encephalopathy, early infantile, 6 (Dravet syndrome); SEVERE MYOCLONIC EPILEPSY OF INFANCY; DEVELOPMENTAL AND EPILEPTIC ENCEPHALOPATHY 6A; Severe Myoclonic Epilepsy in Infancy (SMEI); Dravet syndrome. Identifiers: Orphanet 33069, MedGen C0751122, MONDO:0100135, OMIM 607208.

Submission:

Center for Bioinformatics, Peking University
Classification: Pathogenic for Dravet syndrome. Last evaluated: 2014-12-20. Review status: criteria provided, single submitter. Criteria: Xu et al. (Hum Mutat. 2015). Collection method: research. Allele origin: de novo. Affected: yes. Observed: 1 variant allele. Study: University Clinical Cooperation “985 Project” PKU-2014-1-1.
Comment: Dravet syndrome (DS) probands were recruited from the outpatient and inpatient child neurology units of Peking University First Hospital from 2005 till present. The study was approved by the Ethics Committee of Peking University First Hospital and the Institutional Review Board at Peking University. Participants or their parents provided written informed consent before enrollment. We collected a total of 267 mutations from 255 families with probands diagnosed with DS in China. All probands fulfilled the clinical diagnostic criteria.

NM_001165963.4(SCN1A):c.1663_2176del (p.Ser555Asnfs*21)

Gene: SCN1A (sodium voltage-gated channel alpha subunit 1; minus strand).
Variant type: Deletion.
Coding change: c.1663_2176del on transcript NM_001165963.4; coding-DNA positions 1663 to 2176, 514 bases deleted.
Protein change: p.Ser555Asnfs*21; shifts the reading frame from serine 555.
Identifiers: ClinVar variation 190022 (VCV000190022.1).